The following is an entry in ClinVar:

NM_130384.3(ATRIP):c.394G>A (p.Glu132Lys)

Genes: ATRIP-TREX1 (ATRIP-TREX1 readthrough; plus strand), ATRIP (ATR interacting protein; plus strand). Cytogenetic location: 3p21.31.
Variant type: single nucleotide variant.
Coding change: c.394G>A on transcript NM_130384.3 (MANE Select); coding-DNA position 394, G replaced by A.
Protein change: p.Glu132Lys; replaces glutamic acid 132 with lysine.
Molecular consequence: missense variant. On other transcripts: non-coding transcript variant (1).
Genome position (GRCh38, 1-based): chr3:48,451,741, G>A. VCF-style: chr3-48451741-G-A. GRCh37 (hg19) VCF-style: chr3-48493147-G-A.
Other names: c.13G>A, p.Glu5Lys (NM_001271022.2); c.115G>A, p.Glu39Lys (NM_001271023.2); c.394G>A, p.Glu132Lys (NM_032166.4); short protein forms E132K, E39K, E5K.
Identifiers: ClinVar variation 4867233 (VCV004867233.1).

ClinVar aggregate classification (germline): Uncertain significance (1 of 4 stars; one submission).

gnomAD v4.1: 2 of 1,591,010 alleles (0.00013%); highest among the groups gnomAD compares: Non-Finnish European, 0.000086%; no homozygotes.

Submission:

Ambry Genetics
Classification: Uncertain significance. Last evaluated: 2026-05-14. Review status: criteria provided, single submitter. Criteria: Ambry Variant Classification Scheme 2023. Collection method: clinical testing. Allele origin: germline.
Comment: The p.E132K variant (also known as c.394G>A), located in coding exon 3 of the ATRIP gene, results from a G to A substitution at nucleotide position 394. The glutamic acid at codon 132 is replaced by lysine, an amino acid with similar properties. This amino acid position is not well conserved in available vertebrate species. In addition, the in silico prediction for this alteration is inconclusive. Based on the available evidence, the clinical significance of this variant remains unclear.